The following is an entry in ClinVar:

NM_003327.4(TNFRSF4):c.370G>T (p.Asp124Tyr)

Gene: TNFRSF4 (TNF receptor superfamily member 4; minus strand). Cytogenetic location: 1p36.33.
Variant type: single nucleotide variant.
Coding change: c.370G>T on transcript NM_003327.4 (MANE Select); coding-DNA position 370, G replaced by T.
Protein change: p.Asp124Tyr; replaces aspartic acid 124 with tyrosine.
Molecular consequence: missense variant.
Genome position (GRCh38, 1-based): chr1:1,212,992, C>A on the plus strand (G>T on the coding strand, the complement: TNFRSF4 is on the minus strand). VCF-style: chr1-1212992-C-A. GRCh37 (hg19) VCF-style: chr1-1148372-C-A.
Other names: short protein forms D124Y.
Identifiers: ClinVar variation 1475967 (VCV001475967.6), dbSNP rs761778989, ClinGen allele CA16732680.

ClinVar aggregate classification (germline): Uncertain significance (1 of 4 stars; one submission).

Conditions:
Combined immunodeficiency due to OX40 deficiency. Also called: OX40 DEFICIENCY; Immunodeficiency 16. Identifiers: Orphanet 431149, MedGen C3810053, MONDO:0014268, OMIM 615593.

gnomAD v4.1: 8 of 1,609,714 alleles (0.0005%); highest among the groups gnomAD compares: African/African-American, 0.011%; no homozygotes.

Submission:

Labcorp Genetics (formerly Invitae), Labcorp
Classification: Uncertain significance for Combined immunodeficiency due to OX40 deficiency. Last evaluated: 2022-03-17. Review status: criteria provided, single submitter. Criteria: Invitae Variant Classification Sherloc (09022015). Collection method: clinical testing. Allele origin: germline.
Comment: In summary, the available evidence is currently insufficient to determine the role of this variant in disease. Therefore, it has been classified as a Variant of Uncertain Significance. Variants that disrupt the consensus splice site are a relatively common cause of aberrant splicing (PMID: 17576681, 9536098). Algorithms developed to predict the effect of sequence changes on RNA splicing suggest that this variant may disrupt the consensus splice site. This sequence change replaces aspartic acid, which is acidic and polar, with tyrosine, which is neutral and polar, at codon 124 of the TNFRSF4 protein (p.Asp124Tyr). This variant also falls at the last nucleotide of exon 3, which is part of the consensus splice site for this exon. The frequency data for this variant in the population databases is considered unreliable, as metrics indicate poor data quality at this position in the gnomAD database. This variant has not been reported in the literature in individuals affected with TNFRSF4-related conditions. Algorithms developed to predict the effect of missense changes on protein structure and function are either unavailable or do not agree on the potential impact of this missense change (SIFT: "Deleterious"; PolyPhen-2: "Probably Damaging"; Align-GVGD: "Class C0").

Literature cited by the submitters: PubMed 17576681; PubMed 9536098.